The following is an entry in ClinVar:

ClinVar aggregate classification (germline): Uncertain significance. Review status: criteria provided, multiple submitters, no conflicts (2 of 4 stars). 5 submissions from 5 submitters: Uncertain significance (5). Last evaluated 2025-02-01.

Conditions:
Familial cancer of breast. Also called: hereditary breast carcinoma; Hereditary breast cancer; BREAST CANCER, FAMILIAL. Identifiers: Orphanet 227535, MedGen C0346153, MONDO:0016419, OMIM 114480. Disease mechanism: loss of function.
Hereditary cancer-predisposing syndrome. Also called: Hereditary neoplastic syndrome; Hereditary Cancer Syndrome; Tumor predisposition; Neoplastic Syndromes, Hereditary. Identifiers: Orphanet 140162, MedGen C0027672, MeSH D009386, MONDO:0015356.

Submissions (5):

Ambry Genetics
Classification: Uncertain significance for Hereditary cancer-predisposing syndrome. Last evaluated: 2025-02-01. Review status: criteria provided, single submitter. Criteria: Ambry Variant Classification Scheme 2023. Collection method: clinical testing. Allele origin: germline.
Comment: The p.N326K variant (also known as c.978T>A), located in coding exon 4 of the BARD1 gene, results from a T to A substitution at nucleotide position 978. The asparagine at codon 326 is replaced by lysine, an amino acid with similar properties. This amino acid position is poorly conserved in available vertebrate species. In addition, this alteration is predicted to be tolerated by in silico analysis. Since supporting evidence is limited at this time, the clinical significance of this alteration remains unclear.

Labcorp Genetics (formerly Invitae), Labcorp
Classification: Uncertain significance for Familial cancer of breast. Last evaluated: 2025-01-26. Review status: criteria provided, single submitter. Criteria: Invitae Variant Classification Sherloc (09022015). Collection method: clinical testing. Allele origin: germline.
Comment: This sequence change replaces asparagine, which is neutral and polar, with lysine, which is basic and polar, at codon 326 of the BARD1 protein (p.Asn326Lys). This variant is not present in population databases (gnomAD no frequency). This variant has not been reported in the literature in individuals affected with BARD1-related conditions. ClinVar contains an entry for this variant (Variation ID: 438900). An algorithm developed to predict the effect of missense changes on protein structure and function outputs the following: PolyPhen-2: "Benign". The lysine amino acid residue is found in multiple mammalian species, which suggests that this missense change does not adversely affect protein function. In summary, the available evidence is currently insufficient to determine the role of this variant in disease. Therefore, it has been classified as a Variant of Uncertain Significance.

Color Diagnostics, LLC DBA Color Health
Classification: Uncertain significance for Hereditary cancer-predisposing syndrome. Last evaluated: 2022-08-08. Review status: criteria provided, single submitter. Criteria: ACMG Guidelines, 2015. Collection method: clinical testing. Allele origin: germline.
Comment: This missense variant replaces asparagine with lysine at codon 326 of the BARD1 protein. Computational prediction suggests that this variant may not impact protein structure and function (internally defined REVEL score threshold <= 0.5, PMID: 27666373). To our knowledge, functional studies have not been reported for this variant. This variant has not been reported in individuals affected with hereditary cancer in the literature. This variant has not been identified in the general population by the Genome Aggregation Database (gnomAD). The available evidence is insufficient to determine the role of this variant in disease conclusively. Therefore, this variant is classified as a Variant of Uncertain Significance.

Women's Health and Genetics/Laboratory Corporation of America, LabCorp
Classification: Uncertain significance. Last evaluated: 2017-11-09. Review status: criteria provided, single submitter. Criteria: LabCorp Variant Classification Summary - May 2015. Collection method: clinical testing. Allele origin: germline.
Comment: Variant summary: The BARD1 c.978T>A (p.Asn326Lys) variant involves the alteration of a non-conserved nucleotide. 3/4 in silico tools predict a benign outcome for this variant (SNPsandGO not captured due to low reliability index). This variant is absent in 245918 control chromosomes. One clinical diagnostic laboratory classified this variant as one of uncertain significance. The variant of interest has not, to our knowledge, been reported in affected individuals via publications, nor evaluated for functional impact by in vivo/vitro studies. Because of the absence of clinical information and the lack of functional studies, the variant is classified as a variant of uncertain significance (VUS) until additional information becomes available.

Quest Diagnostics Nichols Institute San Juan Capistrano
Classification: Uncertain significance. Last evaluated: 2017-04-14. Review status: criteria provided, single submitter. Criteria: Quest Diagnostics criteria. Collection method: clinical testing. Allele origin: germline.

NM_000465.4(BARD1):c.978T>A (p.Asn326Lys)

Gene: BARD1 (BRCA1 associated RING domain 1; minus strand). Cytogenetic location: 2q35.
Variant type: single nucleotide variant.
Coding change: c.978T>A on transcript NM_000465.4 (MANE Select); coding-DNA position 978, T replaced by A.
Protein change: p.Asn326Lys; replaces asparagine 326 with lysine.
Molecular consequence: missense variant. On other transcripts: non-coding transcript variant (2), intron variant (3).
Genome position (GRCh38, 1-based): chr2:214,780,896, A>T on the plus strand (T>A on the coding strand, the complement: BARD1 is on the minus strand). VCF-style: chr2-214780896-A-T. GRCh37 (hg19) VCF-style: chr2-215645620-A-T.
Other names: c.921T>A, p.Asn307Lys (NM_001282543.2); c.159-28341T>A (NM_001282548.2); c.215+16165T>A (NM_001282545.2); c.364+11401T>A (NM_001282549.2); short protein forms N326K, N307K.
Identifiers: ClinVar variation 438900 (VCV000438900.16), dbSNP rs1553622318, ClinGen allele CA350454581.
Genomic context (GRCh38, chr2:214,780,896, plus strand): 5'-ATCTCCACTGGTGCTCAGAATGCTGGTTCTACATCTCTTAGAAATGGGACTGGAAAGTCT[A>T]TTGTGATGGCCACGTTTTCCATTATTTTCTAATGGCAAAGATTTCTTAGATGTAAGATAA-3'
Protein context (NP_000456.2, residues 316-336): LENNGKRGHH[Asn326Lys]RLSSPISKRC